The following is an entry in ClinVar:

NM_000135.4(FANCA):c.2623T>C (p.Leu875=)

Genes: FANCA (FA complementation group A; minus strand), LOC130059837 (ATAC-STARR-seq lymphoblastoid active region 11420; plus strand). Cytogenetic location: 16q24.3.
Variant type: single nucleotide variant.
Coding change: c.2623T>C on transcript NM_000135.4 (MANE Select); coding-DNA position 2623, T replaced by C.
Protein change: p.Leu875=; no amino-acid change (leucine 875 retained).
Molecular consequence: synonymous variant.
Genome position (GRCh38, 1-based): chr16:89,765,045, A>G on the plus strand (T>C on the coding strand, the complement: FANCA is on the minus strand). VCF-style: chr16-89765045-A-G. GRCh37 (hg19) VCF-style: chr16-89831453-A-G.
Other names: c.2623T>C, p.Leu875= (NM_001286167.3).
Identifiers: ClinVar variation 3572390 (VCV003572390.2).

ClinVar aggregate classification (germline): Conflicting classifications of pathogenicity. Review status: criteria provided, conflicting classifications (1 of 4 stars). 2 submissions from 2 submitters: Uncertain significance (1); Likely benign (1). Last evaluated 2025-08-20.

Conditions:
Inborn genetic diseases. Identifiers: MedGen C0950123, MeSH D030342.

gnomAD v4.1: 1 of 1,614,206 alleles (0.000062%); highest among the groups gnomAD compares: Non-Finnish European, 0.000085%; no homozygotes.

Submissions (2):

Ambry Genetics
Classification: Likely benign for Inborn genetic diseases. Last evaluated: 2025-08-20. Review status: criteria provided, single submitter. Criteria: Ambry Variant Classification Scheme 2023. Collection method: clinical testing. Allele origin: germline.

Quest Diagnostics Nichols Institute San Juan Capistrano
Classification: Uncertain significance. Last evaluated: 2024-05-08. Review status: criteria provided, single submitter. Criteria: Quest Diagnostics criteria. Collection method: clinical testing. Allele origin: unknown.
Comment: The FANCA c.2623T>C (p.Leu875=) synonymous variant has not been reported in individuals with FANCA-related conditions in the published literature. It also has not been reported in large, multi-ethnic general populations (Genome Aggregation Database). Analysis of this variant using software algorithms for the prediction of the effect of nucleotide changes on splicing yielded predictions that this variant does not affect FANCA mRNA splicing. Based on the available information, we are unable to determine the clinical significance of this variant.